The following is an entry in ClinVar:

ClinVar aggregate classification (germline): Uncertain significance (1 of 4 stars; one submission).

Submission:

Women's Health and Genetics/Laboratory Corporation of America, LabCorp
Classification: Uncertain significance. Last evaluated: 2026-01-02. Review status: criteria provided, single submitter. Criteria: LabCorp Variant Classification Summary - May 2015. Collection method: clinical testing. Allele origin: germline.
Comment: Variant summary: IDUA c.1187T>C (p.Leu396Pro) results in a non-conservative amino acid change in the encoded protein sequence. Algorithms developed to predict the effect of missense changes on protein structure and function all suggest that this variant is likely to be disruptive. Consensus agreement among computation tools predict no significant impact on normal splicing. However, these predictions have yet to be confirmed by functional studies. The variant was absent in 133104 control chromosomes (gnomAD). c.1187T>C has been observed in individuals affected with Mucopolysaccharidosis Type 1 (e.g. Bertola_2011, Clarke_2019). These data indicate that the variant may be associated with disease. To our knowledge, no experimental evidence demonstrating an impact on protein function has been reported. The following publications have been ascertained in the context of this evaluation (PMID: 21394825, 31194252). No submitters have cited clinical-significance assessments for this variant to ClinVar. Based on the evidence outlined above, the variant was classified as VUS-possibly pathogenic.

Literature cited by the submitters: PubMed 21394825; PubMed 31194252.

NM_000203.5(IDUA):c.1187T>C (p.Leu396Pro)

Gene: IDUA (alpha-L-iduronidase; plus strand). Cytogenetic location: 4p16.3.
Variant type: single nucleotide variant.
Coding change: c.1187T>C on transcript NM_000203.5 (MANE Select); coding-DNA position 1187, T replaced by C.
Protein change: p.Leu396Pro; replaces leucine 396 with proline.
Molecular consequence: missense variant. On other transcripts: non-coding transcript variant (1).
Genome position (GRCh38, 1-based): chr4:1,002,483, T>C. VCF-style: chr4-1002483-T-C. GRCh37 (hg19) VCF-style: chr4-996271-T-C.
Other names: c.791T>C, p.Leu264Pro (NM_001363576.1); short protein forms L264P, L396P.
Identifiers: ClinVar variation 4689688 (VCV004689688.1).
Genomic context (GRCh38, chr4:1,002,483, plus strand): 5'-CGCCGCACGTGCAGCTGTTGCGCAAGCCGGTGCTCACGGCCATGGGGCTGCTGGCGCTGC[T>C]GGGTGAGCCGGGGCCGCTGGGGTGGGCCGGCCAGGGCCCTCCAGGCTGGGGAGCGGCTCC-3'
Protein context (NP_000194.2, residues 386-406): VLTAMGLLAL[Leu396Pro]DEEQLWAEVS